The following is an entry in ClinVar:

NM_018136.5(ASPM):c.5889dup (p.Arg1964fs)

Gene: ASPM (assembly factor for spindle microtubules; minus strand). Cytogenetic location: 1q31.3.
Variant type: Duplication.
Coding change: c.5889dup on transcript NM_018136.5 (MANE Select); coding-DNA position 5889, one base duplicated (G; older notation c.5889dupG).
Protein change: p.Arg1964fs; shifts the reading frame from arginine 1964.
Molecular consequence: frameshift variant. On other transcripts: intron variant (1).
Genome position (GRCh38, 1-based): chr1:197,103,362, C duplicated on the plus strand (G on the coding strand, the reverse complement: ASPM is on the minus strand). VCF-style (leftmost placement, unchanged base first): chr1-197103361-T-TC. GRCh37 (hg19) VCF-style: chr1-197072491-T-TC.
Other names: c.4066-7198dup (NM_001206846.2); short protein forms R1964fs.
Identifiers: ClinVar variation 1995760 (VCV001995760.4), dbSNP rs2527299440, ClinGen allele CA2580061885.
Genomic context (GRCh38, chr1:197,103,361, plus strand): 5'-GCATTCTATAGTATGACTGTATGATGATAGCACATTTATGTTGCCTTTGAAGCTGTCTTC[T>TC]CAGTGTTTTTCCCTTCCACATAGATTGAAGCACCAGTACCGCATGACGGAGTTCAATATA-3'

ClinVar aggregate classification (germline): Pathogenic (1 of 4 stars; one submission).

Submission:

Labcorp Genetics (formerly Invitae), Labcorp
Classification: Pathogenic. Last evaluated: 2022-05-17. Review status: criteria provided, single submitter. Criteria: Invitae Variant Classification Sherloc (09022015). Collection method: clinical testing. Allele origin: germline.
Comment: This sequence change creates a premature translational stop signal (p.Arg1964Glufs*9) in the ASPM gene. It is expected to result in an absent or disrupted protein product. Loss-of-function variants in ASPM are known to be pathogenic (PMID: 19028728, 23611254). This variant is not present in population databases (gnomAD no frequency). For these reasons, this variant has been classified as Pathogenic. This variant has not been reported in the literature in individuals affected with ASPM-related conditions.

Literature cited by the submitters: PubMed 19028728; PubMed 23611254.